The following is an entry in ClinVar:

NM_001048166.1(STIL):c.2026C>T (p.Pro676Ser)

Gene: STIL (STIL centriolar assembly protein; minus strand). Cytogenetic location: 1p33.
Variant type: single nucleotide variant.
Coding change: c.2026C>T on transcript NM_001048166.1 (MANE Select); coding-DNA position 2026, C replaced by T.
Protein change: p.Pro676Ser; replaces proline 676 with serine.
Molecular consequence: missense variant.
Genome position (GRCh38, 1-based): chr1:47,280,432, G>A on the plus strand (C>T on the coding strand, the complement: STIL is on the minus strand). VCF-style: chr1-47280432-G-A. GRCh37 (hg19) VCF-style: chr1-47746104-G-A.
Other names: c.2026C>T, p.Pro676Ser (NM_001282936.1, NM_001282937.1, NM_003035.2); c.1885C>T, p.Pro629Ser (NM_001282938.1, NM_001282939.1, NM_001377417.1); short protein forms P629S, P676S.
Identifiers: ClinVar variation 1314519 (VCV001314519.2), dbSNP rs768338718, ClinGen allele CA842265.

ClinVar aggregate classification (germline): Uncertain significance (1 of 4 stars; one submission).

Allele frequency attached by ClinVar (database versions not stated): gnomAD exomes below 0.00001 and 0.00001; ExAC 0.00001; gnomAD 0.00001; TOPMed 0.00001.
gnomAD v4.1: 3 of 1,614,118 alleles (0.00019%); highest among the groups gnomAD compares: Admixed American, 0.005%; no homozygotes.

Submission:

GeneDx
Classification: Uncertain significance. Last evaluated: 2021-04-08. Review status: criteria provided, single submitter. Criteria: GeneDx Variant Classification Process June 2021. Collection method: clinical testing. Allele origin: germline. Affected: yes.
Comment: Not observed at a significant frequency in large population cohorts (Lek et al., 2016); In silico analysis supports that this missense variant does not alter protein structure/function; Has not been previously published as pathogenic or benign to our knowledge